The following is an entry in ClinVar:

ClinVar aggregate classification (germline): Likely benign. Review status: criteria provided, multiple submitters, no conflicts (2 of 4 stars). 3 submissions from 3 submitters: Likely benign (3). Last evaluated 2026-08-25.

Conditions:
SLC44A4-related disorder. Also called: SLC44A4-related condition.

gnomAD v4.1: 123 of 1,613,802 alleles (0.0076%); highest among the groups gnomAD compares: Non-Finnish European, 0.0097%; no homozygotes.

Submissions (3):

PreventionGenetics, part of Exact Sciences
Classification: Likely benign for SLC44A4-related condition. Last evaluated: 2026-08-25. Review status: criteria provided, single submitter. Criteria: ACMG Guidelines, 2015. Collection method: clinical testing. Allele origin: germline.
Comment: This variant is classified as likely benign based on ACMG/AMP sequence variant interpretation guidelines (Richards et al. 2015 PMID: 25741868, with internal and published modifications).

Labcorp Genetics (formerly Invitae), Labcorp
Classification: Likely benign. Last evaluated: 2025-06-27. Review status: criteria provided, single submitter. Criteria: Invitae Variant Classification Sherloc (09022015). Collection method: clinical testing. Allele origin: germline.

Blueprint Genetics
Classification: Likely benign. Last evaluated: 2023-04-20. Review status: criteria provided, single submitter. Criteria: ACMG Guidelines, 2015. Collection method: clinical testing. Allele origin: germline.

NM_025257.3(SLC44A4):c.339C>A (p.Pro113=)

Gene: SLC44A4 (solute carrier family 44 member 4; minus strand). Cytogenetic location: 6p21.33.
Variant type: single nucleotide variant.
Coding change: c.339C>A on transcript NM_025257.3 (MANE Select); coding-DNA position 339, C replaced by A.
Protein change: p.Pro113=; no amino-acid change (proline 113 retained).
Molecular consequence: synonymous variant.
Genome position (GRCh38, 1-based): chr6:31,874,932, G>T on the plus strand (C>A on the coding strand, the complement: SLC44A4 is on the minus strand). VCF-style: chr6-31874932-G-T. GRCh37 (hg19) VCF-style: chr6-31842709-G-T.
Other names: c.339C>A, p.Pro113= (NM_001178044.2); c.111C>A, p.Pro37= (NM_001178045.2); c.339C>A (NM_025257.2).
Identifiers: ClinVar variation 3665207 (VCV003665207.4).